The following is an entry in ClinVar:

NM_000303.3(PMM2):c.166del (p.Leu56fs)

Gene: PMM2 (phosphomannomutase 2; plus strand). Cytogenetic location: 16p13.2.
Variant type: Deletion.
Coding change: c.166del on transcript NM_000303.3 (MANE Select); coding-DNA position 166, one base deleted (C; older notation c.166delC).
Protein change: p.Leu56fs; shifts the reading frame from leucine 56.
Molecular consequence: frameshift variant.
Genome position (GRCh38, 1-based): chr16:8,801,898, C deleted. VCF-style (leftmost placement, unchanged base first): chr16-8801897-AC-A. GRCh37 (hg19) VCF-style: chr16-8895754-AC-A.
Other names: short protein forms L56fs.
Identifiers: ClinVar variation 5014449 (VCV005014449.1).

ClinVar aggregate classification (germline): Pathogenic (1 of 4 stars; one submission).

Conditions:
PMM2-congenital disorder of glycosylation. Also called: CDG Ia; JAEKEN SYNDROME; PHOSPHOMANNOMUTASE 2 DEFICIENCY; CARBOHYDRATE-DEFICIENT GLYCOPROTEIN SYNDROME, TYPE Ia; PMM2-CDG; Congenital disorder of glycosylation, type Ia. Identifiers: Orphanet 79318, MedGen C0349653, MONDO:0008907, OMIM 212065.

Submission:

Myriad Genetics, Inc.
Classification: Pathogenic for PMM2-congenital disorder of glycosylation. Last evaluated: 2025-05-15. Review status: criteria provided, single submitter. Criteria: Myriad Autosomal Dominant, Autosomal Recessive and X-Linked Classification Criteria (2023). Collection method: clinical testing. Allele origin: unknown.
Comment: NM_000303.2(PMM2):c.166delC(L56Wfs*19) is expected to be pathogenic in the context of congenital disorder of glycosylation, PMM2-related. This variant is predicted to lead to an abnormal or absent protein product due to the creation of a premature termination codon in PMM2, a gene where loss-of-function variants are known to be pathogenic. Please note: this variant was assessed in the context of healthy population screening.